The following is an entry in ClinVar:

NM_012123.4(MTO1):c.1324C>T (p.Arg442Ter)

Gene: MTO1 (mitochondrial tRNA translation optimization 1; plus strand). Cytogenetic location: 6q13.
Variant type: single nucleotide variant.
Coding change: c.1324C>T on transcript NM_012123.4 (MANE Select); coding-DNA position 1324, C replaced by T.
Protein change: p.Arg442Ter; replaces arginine 442 with a stop codon.
Molecular consequence: nonsense.
Genome position (GRCh38, 1-based): chr6:73,482,103, C>T. VCF-style: chr6-73482103-C-T. GRCh37 (hg19) VCF-style: chr6-74191826-C-T.
Other names: c.1444C>T, p.Arg482Ter (NM_001123226.2); c.1399C>T, p.Arg467Ter (NM_133645.3); short protein forms R467*, R442*, R482*.
Identifiers: ClinVar variation 445467 (VCV000445467.10), dbSNP rs200583827, ClinGen allele CA3889618.
Genomic context (GRCh38, chr6:73,482,103, plus strand): 5'-GTGATAGCCGGAATCAACGCCAGTCTTCGGGTCAGTCGCAAGCCTCCCTTTGTGGTTAGC[C>T]GAACAGAAGGTTACATAGGAGTCTTGATTGATGACCTCACTACTCTGGGCACCAGTGAAC-3'

ClinVar aggregate classification (germline): Pathogenic/Likely pathogenic. Review status: criteria provided, multiple submitters, no conflicts (2 of 4 stars). 3 submissions from 3 submitters: Pathogenic (1); Likely pathogenic (2). Last evaluated 2025-12-13.

Conditions:
MTO1-related disorder. Also called: MTO1-related condition.
Mitochondrial hypertrophic cardiomyopathy with lactic acidosis due to MTO1 deficiency. Also called: CARDIOMYOPATHY, INFANTILE HYPERTROPHIC MITOCHONDRIAL, AND LACTIC ACIDOSIS; Combined oxidative phosphorylation deficiency 10. Identifiers: Orphanet 314637, MedGen C4749921, MONDO:0013865, OMIM 614702.

Allele frequency attached by ClinVar (database versions not stated): TOPMed 0.00003; gnomAD 0.00006 and 0.00007; ExAC 0.00007.
gnomAD v4.1: 66 of 1,613,942 alleles (0.0041%); highest among the groups gnomAD compares: African/African-American, 0.004%; no homozygotes.

Submissions (3):

Labcorp Genetics (formerly Invitae), Labcorp
Classification: Pathogenic for Mitochondrial hypertrophic cardiomyopathy with lactic acidosis due to MTO1 deficiency. Last evaluated: 2025-12-13. Review status: criteria provided, single submitter. Criteria: Invitae Variant Classification Sherloc (09022015). Collection method: clinical testing. Allele origin: germline.
Comment: This sequence change creates a premature translational stop signal (p.Arg442*) in the MTO1 gene. It is expected to result in an absent or disrupted protein product. Loss-of-function variants in MTO1 are known to be pathogenic (PMID: 22608499, 25058219). This variant is present in population databases (rs200583827, gnomAD 0.05%). This variant has not been reported in the literature in individuals affected with MTO1-related conditions. ClinVar contains an entry for this variant (Variation ID: 445467). Algorithms developed to predict the effect of sequence changes on RNA splicing suggest that this variant may disrupt the consensus splice site. For these reasons, this variant has been classified as Pathogenic.

Blueprint Genetics
Classification: Likely pathogenic for MTO1-related disorders. Last evaluated: 2023-08-21. Review status: criteria provided, single submitter. Criteria: ACMG Guidelines, 2015. Collection method: clinical testing. Allele origin: germline. Affected: yes. Observed: 5 variant alleles.

Center for Pediatric Genomic Medicine, Children's Mercy Hospital and Clinics
Classification: Likely pathogenic. Last evaluated: 2017-04-03. Review status: criteria provided, single submitter. Criteria: ACMG Guidelines, 2015. Collection method: clinical testing. Allele origin: germline.

Literature cited by the submitters: PubMed 22608499 (cited by Labcorp Genetics (formerly Invitae), Labcorp); PubMed 25058219 (cited by Labcorp Genetics (formerly Invitae), Labcorp).